The following is an entry in ClinVar:

NM_000548.5(TSC2):c.174C>T (p.Ile58=)

Gene: TSC2 (TSC complex subunit 2; plus strand). Cytogenetic location: 16p13.3.
Variant type: single nucleotide variant.
Coding change: c.174C>T on transcript NM_000548.5 (MANE Select); coding-DNA position 174, C replaced by T.
Protein change: p.Ile58=; no amino-acid change (isoleucine 58 retained).
Molecular consequence: synonymous variant. On other transcripts: 5 prime UTR variant (1).
Genome position (GRCh38, 1-based): chr16:2,050,435, C>T. VCF-style: chr16-2050435-C-T. GRCh37 (hg19) VCF-style: chr16-2100436-C-T.
Other names: c.174C>T, p.Ile58= (NM_001077183.3, NM_001114382.3, NM_001318827.2 and 4 more transcripts); c.27C>T, p.Ile9= (NM_001318829.2); c.-53C>T (NM_001318831.2); c.207C>T, p.Ile69= (NM_001318832.2).
Identifiers: ClinVar variation 1598190 (VCV001598190.9), dbSNP rs2150995862, ClinGen allele CA492954880.

ClinVar aggregate classification (germline): Benign/Likely benign. Review status: criteria provided, multiple submitters, no conflicts (2 of 4 stars). 2 submissions from 2 submitters: Benign (1); Likely benign (1). Last evaluated 2025-05-02.

Conditions:
Tuberous sclerosis 2 (TSC2). Identifiers: Orphanet 805, MedGen C1860707, MONDO:0013199, OMIM 613254.

Submissions (2):

Myriad Genetics, Inc.
Classification: Benign for Tuberous sclerosis 2. Last evaluated: 2025-05-02. Review status: criteria provided, single submitter. Criteria: Myriad Autosomal Dominant, Autosomal Recessive and X-Linked Classification Criteria (2023). Collection method: clinical testing. Allele origin: unknown.
Comment: This variant is considered benign. This variant is a silent/synonymous amino acid change and it is not expected to impact splicing.

Labcorp Genetics (formerly Invitae), Labcorp
Classification: Likely benign for Tuberous sclerosis 2. Last evaluated: 2025-04-30. Review status: criteria provided, single submitter. Criteria: Invitae Variant Classification Sherloc (09022015). Collection method: clinical testing. Allele origin: germline.